The following is an entry in ClinVar:

NM_001206744.2(TPO):c.1193G>C (p.Ser398Thr)

Gene: TPO (thyroid peroxidase; plus strand). Cytogenetic location: 2p25.3.
Variant type: single nucleotide variant.
Coding change: c.1193G>C on transcript NM_001206744.2 (MANE Select); coding-DNA position 1193, G replaced by C.
Protein change: p.Ser398Thr; replaces serine 398 with threonine.
Molecular consequence: missense variant. On other transcripts: intron variant (1).
Genome position (GRCh38, 1-based): chr2:1,477,459, G>C. VCF-style: chr2-1477459-G-C. GRCh37 (hg19) VCF-style: chr2-1481231-G-C.
Other names: c.1193G>C, p.Ser398Thr (NM_000547.6, NM_001206745.2, NM_175719.4 and 1 more transcripts); c.820-7137G>C (NM_175722.3); short protein forms S398T.
Identifiers: ClinVar variation 256606 (VCV000256606.14), dbSNP rs2175977, ClinGen allele CA1511677.
Genomic context (GRCh38, chr2:1,477,459, plus strand): 5'-AGCCCGGCATCCCCGGAGAGACCCGCGGGCCCTGCTTCCTGGCCGGAGACGGCCGCGCCA[G>C]CGAGGTCCCCTCCCTGACGGCACTGCACACGCTGTGGCTGCGCGAGCACAACCGCCTGGC-3'
Protein context (NP_001193673.1, residues 388-408): PCFLAGDGRA[Ser398Thr]EVPSLTALHT

ClinVar aggregate classification (germline): Benign/Likely benign. Review status: criteria provided, multiple submitters, no conflicts (2 of 4 stars). 9 submissions from 9 submitters: Benign (5); Likely benign (1). 3 of the submissions do not count toward it. Last evaluated 2026-05-09.

Conditions:
Deficiency of iodide peroxidase (TDH2A). Also called: HYPOTHYROIDISM, CONGENITAL, DUE TO DYSHORMONOGENESIS, 2A; IODIDE PEROXIDASE DEFICIENCY; THYROID HORMONOGENESIS, GENETIC DEFECT IN, 2A; THYROID PEROXIDASE DEFICIENCY; Thyroid dyshormonogenesis 2A. Identifiers: Orphanet 95716, MedGen C1291299, MONDO:0010133, OMIM 274500.

Allele frequency attached by ClinVar (database versions not stated): gnomAD exomes 0.61766 and 0.63918; ExAC 0.64004; gnomAD 0.65696 and 0.65757; TOPMed 0.66903; 1000 Genomes Project 0.71026; 1000 Genomes Project 30x 0.71205; ESP Exome Variant Server 0.78163.
gnomAD v4.1: 948,622 of 1,525,816 alleles (62%); highest among the groups gnomAD compares: African/African-American, 79%; 297,044 homozygotes.

Submissions (9):

Women's Health and Genetics/Laboratory Corporation of America, LabCorp
Classification: Benign. Last evaluated: 2026-05-09. Review status: criteria provided, single submitter. Criteria: LabCorp Variant Classification Summary - May 2015. Collection method: clinical testing. Allele origin: germline.

Labcorp Genetics (formerly Invitae), Labcorp
Classification: Benign. Last evaluated: 2026-02-04. Review status: criteria provided, single submitter. Criteria: Invitae Variant Classification Sherloc (09022015). Collection method: clinical testing. Allele origin: germline.

Blueprint Genetics
Classification: Likely benign. Last evaluated: 2024-11-26. Review status: criteria provided, single submitter. Criteria: ACMG Guidelines, 2015. Collection method: clinical testing. Allele origin: germline.

Illumina Laboratory Services, Illumina
Classification: Benign for Deficiency of iodide peroxidase. Last evaluated: 2018-01-13. Review status: criteria provided, single submitter. Criteria: ICSL Variant Classification Criteria 13 December 2019. Collection method: clinical testing. Allele origin: germline.
Comment: This variant was observed in the ICSL laboratory as part of a predisposition screen in an ostensibly healthy population. It had not been previously curated by ICSL or reported in the Human Gene Mutation Database (HGMD: prior to June 1st, 2018), and was therefore a candidate for classification through an automated scoring system. Utilizing variant allele frequency, disease prevalence and penetrance estimates, and inheritance mode, an automated score was calculated to assess if this variant is too frequent to cause the disease. Based on the score and internal cut-off values, a variant classified as benign is not then subjected to further curation. The score for this variant resulted in a classification of benign for this disease.

Breakthrough Genomics
Classification: Benign. Review status: criteria provided, single submitter. Criteria: ACMG Guidelines, 2015. Collection method: not provided. Allele origin: germline. Inheritance: Autosomal recessive inheritance. Affected: yes.

PreventionGenetics, part of Exact Sciences
Classification: Benign. Review status: criteria provided, single submitter. Criteria: ACMG Guidelines, 2015. Collection method: clinical testing. Allele origin: germline.

Clinical Genetics, Academic Medical Center
Classification: Benign. Review status: no assertion criteria provided. Collection method: clinical testing. Allele origin: germline. Affected: yes. Study: VKGL Data-share Consensus. Not counted in ClinVar's aggregate classification.

Diagnostic Laboratory, Department of Genetics, University Medical Center Groningen
Classification: Benign for Deficiency of iodide peroxidase. Review status: no assertion criteria provided. Collection method: clinical testing. Allele origin: germline. Affected: yes. Study: VKGL Data-share Consensus. Not counted in ClinVar's aggregate classification.

Genome Diagnostics Laboratory, University Medical Center Utrecht
Classification: Benign. Review status: no assertion criteria provided. Collection method: clinical testing. Allele origin: germline. Affected: yes. Study: VKGL Data-share Consensus. Not counted in ClinVar's aggregate classification.